The following is an entry in ClinVar:

ClinVar aggregate classification (germline): Benign/Likely benign. Review status: criteria provided, multiple submitters, no conflicts (2 of 4 stars). 11 submissions from 11 submitters: Benign (5); Likely benign (4). 2 of the submissions do not count toward it. Last evaluated 2026-08-01.

Conditions:
Aicardi-Goutieres syndrome 2. Identifiers: Orphanet 51, MedGen C3489724, MONDO:0012429, OMIM 610181.

Allele frequency attached by ClinVar (database versions not stated): ESP Exome Variant Server 0.00054; gnomAD 0.00132 and 0.00172; TOPMed 0.00294; gnomAD exomes 0.00445; 1000 Genomes Project 0.00539; 1000 Genomes Project 30x 0.00562; ExAC 0.00611.

Submissions (11):

CeGaT Center for Human Genetics Tuebingen
Classification: Benign. Last evaluated: 2026-08-01. Review status: criteria provided, single submitter. Criteria: CeGaT Center For Human Genetics Tuebingen Variant Classification Criteria Version 2. Collection method: clinical testing. Allele origin: germline. Affected: yes. Observed: 15 variant alleles.
Comment: RNASEH2B: BS1, BS2

Labcorp Genetics (formerly Invitae), Labcorp
Classification: Benign for Aicardi-Goutieres syndrome 2. Last evaluated: 2026-02-04. Review status: criteria provided, single submitter. Criteria: Invitae Variant Classification Sherloc (09022015). Collection method: clinical testing. Allele origin: germline.

Women's Health and Genetics/Laboratory Corporation of America, LabCorp
Classification: Likely benign. Last evaluated: 2026-01-23. Review status: criteria provided, single submitter. Criteria: LabCorp Variant Classification Summary - May 2015. Collection method: clinical testing. Allele origin: germline.

Blueprint Genetics
Classification: Likely benign. Last evaluated: 2024-11-21. Review status: criteria provided, single submitter. Criteria: ACMG Guidelines, 2015. Collection method: clinical testing. Allele origin: germline.

Mayo Clinic Laboratories, Mayo Clinic
Classification: Benign. Last evaluated: 2024-11-18. Review status: criteria provided, single submitter. Criteria: ACMG Guidelines, 2015. Collection method: clinical testing. Allele origin: germline. Observed: 1 variant allele.
Comment: BS1, BS2

Athena Diagnostics
Classification: Benign. Last evaluated: 2024-01-18. Review status: criteria provided, single submitter. Criteria: Athena Diagnostics Criteria. Collection method: clinical testing. Allele origin: unknown.

Fulgent Genetics
Classification: Likely benign for Aicardi-Goutieres syndrome 2. Last evaluated: 2021-09-29. Review status: criteria provided, single submitter. Criteria: ACMG Guidelines, 2015. Collection method: clinical testing. Allele origin: unknown.

Illumina Laboratory Services, Illumina
Classification: Benign for Aicardi-Goutieres syndrome 2. Last evaluated: 2018-01-13. Review status: criteria provided, single submitter. Criteria: ICSL Variant Classification Criteria 13 December 2019. Collection method: clinical testing. Allele origin: germline.
Comment: This variant was observed in the ICSL laboratory as part of a predisposition screen in an ostensibly healthy population. It had not been previously curated by ICSL or reported in the Human Gene Mutation Database (HGMD: prior to June 1st, 2018), and was therefore a candidate for classification through an automated scoring system. Utilizing variant allele frequency, disease prevalence and penetrance estimates, and inheritance mode, an automated score was calculated to assess if this variant is too frequent to cause the disease. Based on the score and internal cut-off values, a variant classified as benign is not then subjected to further curation. The score for this variant resulted in a classification of benign for this disease.

Center for Pediatric Genomic Medicine, Children's Mercy Hospital and Clinics
Classification: Likely benign. Last evaluated: 2016-11-04. Review status: criteria provided, single submitter. Criteria: ACMG Guidelines, 2015. Collection method: clinical testing. Allele origin: germline.
ClinVar note: Converted during submission from Likely Benign to Likely benign.

Clinical Genetics DNA and cytogenetics Diagnostics Lab, Erasmus MC, Erasmus Medical Center
Classification: Benign. Review status: no assertion criteria provided. Collection method: clinical testing. Allele origin: germline. Affected: yes. Study: VKGL Data-share Consensus. Not counted in ClinVar's aggregate classification.

Genome Diagnostics Laboratory, University Medical Center Utrecht
Classification: Likely benign. Review status: no assertion criteria provided. Collection method: clinical testing. Allele origin: germline. Affected: yes. Study: VKGL Data-share Consensus. Not counted in ClinVar's aggregate classification.

Literature cited by the submitters: PubMed 25500883 (cited by Mayo Clinic Laboratories, Mayo Clinic and Athena Diagnostics); PubMed 33482855 (cited by Mayo Clinic Laboratories, Mayo Clinic and Athena Diagnostics); PubMed 35551623 (cited by Mayo Clinic Laboratories, Mayo Clinic and Athena Diagnostics); PubMed 29720203 (cited by Athena Diagnostics).

NM_024570.4(RNASEH2B):c.859G>T (p.Ala287Ser)

Gene: RNASEH2B (ribonuclease H2 subunit B; plus strand). Cytogenetic location: 13q14.3.
Variant type: single nucleotide variant.
Coding change: c.859G>T on transcript NM_024570.4 (MANE Select); coding-DNA position 859, G replaced by T.
Protein change: p.Ala287Ser; replaces alanine 287 with serine.
Molecular consequence: missense variant. On other transcripts: intron variant (1).
Genome position (GRCh38, 1-based): chr13:50,956,394, G>T. VCF-style: chr13-50956394-G-T. GRCh37 (hg19) VCF-style: chr13-51530530-G-T.
Other names: p.Ala287Ser; c.741+6889G>T (NM_001142279.2); short protein forms A287S.
Identifiers: ClinVar variation 312334 (VCV000312334.52), dbSNP rs144408326, ClinGen allele CA6985741.
Genomic context (GRCh38, chr13:50,956,394, plus strand): 5'-TTTCTCTCTTATTTTCATTAACAGAAAAATAGCAAAATGACTGCAGCTCAGAAGGCTTTG[G>T]CTAAAGTTGACAAGAGTGGAATGAAAAGTATTGATACCTTTTTTGGGGTAAAAAATAAAA-3'
Protein context (NP_078846.2, residues 277-297): SKMTAAQKAL[Ala287Ser]KVDKSGMKSI